The following is an entry in ClinVar:

ClinVar aggregate classification (germline): Uncertain significance (1 of 4 stars; one submission).

Conditions:
Hereditary cancer-predisposing syndrome. Also called: Neoplastic Syndromes, Hereditary; Tumor predisposition; Hereditary Cancer Syndrome; Hereditary neoplastic syndrome. Identifiers: Orphanet 140162, MedGen C0027672, MeSH D009386, MONDO:0015356.

Submission:

Ambry Genetics
Classification: Uncertain significance for Hereditary cancer-predisposing syndrome. Last evaluated: 2026-05-14. Review status: criteria provided, single submitter. Criteria: Ambry Variant Classification Scheme 2023. Collection method: clinical testing. Allele origin: germline.
Comment: The p.L640F variant (also known as c.1920G>T), located in coding exon 14 of the MSH3 gene, results from a G to T substitution at nucleotide position 1920. The leucine at codon 640 is replaced by phenylalanine, an amino acid with highly similar properties. This amino acid position is conserved. In addition, the in silico prediction for this alteration is inconclusive. Based on the available evidence, the clinical significance of this variant remains unclear.

NM_002439.5(MSH3):c.1920G>T (p.Leu640Phe)

Gene: MSH3 (mutS homolog 3; plus strand). Cytogenetic location: 5q14.1.
Variant type: single nucleotide variant.
Coding change: c.1920G>T on transcript NM_002439.5 (MANE Select); coding-DNA position 1920, G replaced by T.
Protein change: p.Leu640Phe; replaces leucine 640 with phenylalanine.
Molecular consequence: missense variant.
Genome position (GRCh38, 1-based): chr5:80,767,956, G>T. VCF-style: chr5-80767956-G-T. GRCh37 (hg19) VCF-style: chr5-80063775-G-T.
Other names: short protein forms L640F.
Identifiers: ClinVar variation 4860352 (VCV004860352.1).